The following is an entry in ClinVar:

ClinVar aggregate classification (germline): Uncertain significance. Review status: criteria provided, multiple submitters, no conflicts (2 of 4 stars). 2 submissions from 2 submitters: Uncertain significance (2). Last evaluated 2024-03-07.

Conditions:
Inborn genetic diseases. Identifiers: MedGen C0950123, MeSH D030342.
Primary ciliary dyskinesia 27. Also called: CILIARY DYSKINESIA, PRIMARY, 27, WITHOUT SITUS INVERSUS. Identifiers: Orphanet 244, MedGen C3809701, MONDO:0014215, OMIM 615504.

Allele frequency attached by ClinVar (database versions not stated): gnomAD 0.00001; ExAC 0.00002; gnomAD exomes 0.00002; TOPMed 0.00003.
gnomAD v4.1: 15 of 1,612,896 alleles (0.00093%); highest among the groups gnomAD compares: Middle Eastern, 0.016%; no homozygotes.

Submissions (2):

Ambry Genetics
Classification: Uncertain significance for Inborn genetic diseases. Last evaluated: 2024-03-07. Review status: criteria provided, single submitter. Criteria: Ambry Variant Classification Scheme 2023. Collection method: clinical testing. Allele origin: germline.

Labcorp Genetics (formerly Invitae), Labcorp
Classification: Uncertain significance for Primary ciliary dyskinesia 27. Last evaluated: 2021-08-30. Review status: criteria provided, single submitter. Criteria: Invitae Variant Classification Sherloc (09022015). Collection method: clinical testing. Allele origin: germline.
Comment: This sequence change replaces glutamic acid with lysine at codon 110 of the CCDC65 protein (p.Glu110Lys). The glutamic acid residue is highly conserved and there is a small physicochemical difference between glutamic acid and lysine. This variant is present in population databases (rs761689371, ExAC 0.006%). This variant has not been reported in the literature in individuals affected with CCDC65-related conditions. Algorithms developed to predict the effect of missense changes on protein structure and function are either unavailable or do not agree on the potential impact of this missense change (SIFT: "Deleterious"; PolyPhen-2: "Benign"; Align-GVGD: "Class C0"). In summary, the available evidence is currently insufficient to determine the role of this variant in disease. Therefore, it has been classified as a Variant of Uncertain Significance.

NM_033124.5(CCDC65):c.328G>A (p.Glu110Lys)

Gene: CCDC65 (coiled-coil domain containing 65; plus strand). Cytogenetic location: 12q13.12.
Variant type: single nucleotide variant.
Coding change: c.328G>A on transcript NM_033124.5 (MANE Select); coding-DNA position 328, G replaced by A.
Protein change: p.Glu110Lys; replaces glutamic acid 110 with lysine.
Molecular consequence: missense variant. On other transcripts: 5 prime UTR variant (1).
Genome position (GRCh38, 1-based): chr12:48,914,431, G>A. VCF-style: chr12-48914431-G-A. GRCh37 (hg19) VCF-style: chr12-49308214-G-A.
Other names: c.-102G>A (NM_001286957.2); c.328G>A (NM_033124.4); short protein forms E110K.
Identifiers: ClinVar variation 1516234 (VCV001516234.6), dbSNP rs761689371, ClinGen allele CA6543211.